The following is an entry in ClinVar:

ClinVar aggregate classification (germline): Benign/Likely benign. Review status: criteria provided, multiple submitters, no conflicts (2 of 4 stars). 4 submissions from 4 submitters: Benign (1); Likely benign (3). Last evaluated 2026-01-13.

Conditions:
Cardiovascular phenotype. Identifiers: MedGen CN230736.
Hypertrophic cardiomyopathy. Also called: HYPERTROPHIC MYOCARDIOPATHY. Identifiers: Orphanet 217569, MedGen C0007194, MeSH D002312, MONDO:0005045, HP:0001639.

Allele frequency attached by ClinVar (database versions not stated): gnomAD 0.00009; 1000 Genomes Project 30x 0.00016; TOPMed 0.00016; 1000 Genomes Project 0.00020.
gnomAD v4.1: 87 of 1,613,864 alleles (0.0054%); highest among the groups gnomAD compares: East Asian, 0.14%; 1 homozygote.

Submissions (4):

Labcorp Genetics (formerly Invitae), Labcorp
Classification: Likely benign for Hypertrophic cardiomyopathy. Last evaluated: 2026-01-13. Review status: criteria provided, single submitter. Criteria: Invitae Variant Classification Sherloc (09022015). Collection method: clinical testing. Allele origin: germline.

Ambry Genetics
Classification: Benign for Cardiovascular phenotype. Last evaluated: 2021-10-28. Review status: criteria provided, single submitter. Criteria: Ambry Variant Classification Scheme 2023. Collection method: clinical testing. Allele origin: germline.

GeneDx
Classification: Likely benign. Last evaluated: 2018-11-12. Review status: criteria provided, single submitter. Criteria: GeneDx Variant Classification Process June 2021. Collection method: clinical testing. Allele origin: germline. Affected: yes.
Comment: See Variant Classification Assertion Criteria.

Laboratory for Molecular Medicine, Mass General Brigham Personalized Medicine
Classification: Likely benign. Last evaluated: 2015-06-09. Review status: criteria provided, single submitter. Criteria: LMM Criteria. Collection method: clinical testing. Allele origin: germline. Observed: 1 variant allele.
Comment: p.Ser101Ser in exon 4 of MYOZ2: This variant is not expected to have clinical si gnificance because it does not alter an amino acid residue and is not located wi thin the splice consensus sequence. It has been identified in 0.2% (17/8650) of East Asian chromosomes by the Exome Aggregation Consortium (ExAC; dbSNP rs527258961).

NM_016599.5(MYOZ2):c.303G>A (p.Ser101=)

Gene: MYOZ2 (myozenin 2; plus strand). Cytogenetic location: 4q26.
Variant type: single nucleotide variant.
Coding change: c.303G>A on transcript NM_016599.5 (MANE Select); coding-DNA position 303, G replaced by A.
Protein change: p.Ser101=; no amino-acid change (serine 101 retained).
Molecular consequence: synonymous variant.
Genome position (GRCh38, 1-based): chr4:119,158,078, G>A. VCF-style: chr4-119158078-G-A. GRCh37 (hg19) VCF-style: chr4-120079233-G-A.
Identifiers: ClinVar variation 227710 (VCV000227710.16), dbSNP rs527258961, ClinGen allele CA3058592.
Genomic context (GRCh38, chr4:119,158,078, plus strand): 5'-ACAGCACAGTATTGCTATGCAGAATGGGAAAGTGGATGGAAGTAACTTGGAAGGTGGTTC[G>A]CAGCAAGCCCCCTTGACTCCTCCCAACACCCCAGATCCACGAAGCCCTCCAAATCCAGAC-3'
Protein context (NP_057683.1, residues 91-111): KVDGSNLEGG[Ser101=]QQAPLTPPNT